The following is an entry in ClinVar:

ClinVar aggregate classification (germline): Uncertain significance (1 of 4 stars; one submission).

Conditions:
Monocytopenia with susceptibility to infections. Also called: MONOCYTOPENIA AND MYCOBACTERIAL INFECTION SYNDROME; Dendritic cell, monocyte, B lymphocyte, and natural killer lymphocyte deficiency; MONOCYTOPENIA WITH SUSCEPTIBILITY TO MYCOBACTERIAL, FUNGAL, AND PAPILLOMAVIRUS INFECTIONS AND MYELODYSPLASIA; COMBINED IMMUNODEFICIENCY WITH SUSCEPTIBILITY TO MYCOBACTERIAL, VIRAL, AND FUNGAL INFECTIONS; IMMUNODEFICIENCY 21; GATA2 DEFICIENCY. Identifiers: Orphanet 228423, MedGen C3280030, MONDO:0013607, OMIM 614172.
Deafness-lymphedema-leukemia syndrome. Also called: Lymphedema, primary, with myelodysplasia; Emberger syndrome. Identifiers: Orphanet 3226, MedGen C3279664, MONDO:0013540, OMIM 614038.

Submission:

Labcorp Genetics (formerly Invitae), Labcorp
Classification: Uncertain significance for Monocytopenia with susceptibility to infections; Deafness-lymphedema-leukemia syndrome. Last evaluated: 2021-02-11. Review status: criteria provided, single submitter. Criteria: Invitae Variant Classification Sherloc (09022015). Collection method: clinical testing. Allele origin: germline.
Comment: Advanced modeling of protein sequence and biophysical properties (such as structural, functional, and spatial information, amino acid conservation, physicochemical variation, residue mobility, and thermodynamic stability) performed at Invitae indicates that this missense variant is not expected to disrupt GATA2 protein function. This variant has not been reported in the literature in individuals with GATA2-related conditions. This variant is not present in population databases (ExAC no frequency). This sequence change replaces proline with histidine at codon 58 of the GATA2 protein (p.Pro58His). The proline residue is moderately conserved and there is a moderate physicochemical difference between proline and histidine. In summary, the available evidence is currently insufficient to determine the role of this variant in disease. Therefore, it has been classified as a Variant of Uncertain Significance.

NM_032638.5(GATA2):c.173C>A (p.Pro58His)

Gene: GATA2 (GATA binding protein 2; minus strand). Cytogenetic location: 3q21.3.
Variant type: single nucleotide variant.
Coding change: c.173C>A on transcript NM_032638.5 (MANE Select); coding-DNA position 173, C replaced by A.
Protein change: p.Pro58His; replaces proline 58 with histidine.
Molecular consequence: missense variant.
Genome position (GRCh38, 1-based): chr3:128,486,859, G>T on the plus strand (C>A on the coding strand, the complement: GATA2 is on the minus strand). VCF-style: chr3-128486859-G-T. GRCh37 (hg19) VCF-style: chr3-128205702-G-T.
Other names: c.173C>A, p.Pro58His (NM_001145661.2, NM_001145662.1); short protein forms P58H.
Identifiers: ClinVar variation 1430136 (VCV001430136.8), dbSNP rs2107673477, ClinGen allele CA354408477.
Genomic context (GRCh38, chr3:128,486,859, plus strand): 5'-TCACCGTGCGCGGGGCTGTAGGAGACGCGCGCCCGCGCGTGAGCGGGGTTGGCATAGTAG[G>T]GGTTGCCCTGCGAGTCGAGGTGATTGAAGAAGACGTCCACCTCGTCTGGAGGCAGCAGCT-3'
Protein context (NP_116027.2, residues 48-68): FFNHLDSQGN[Pro58His]YYANPAHARA